The following is an entry in ClinVar:

NM_003745.2(SOCS1):c.476_480dup (p.Met161fs)

Gene: SOCS1 (suppressor of cytokine signaling 1; minus strand). Cytogenetic location: 16p13.13.
Variant type: Microsatellite.
Coding change: c.476_480dup on transcript NM_003745.2 (MANE Select); coding-DNA positions 476 to 480, 5 bases duplicated (GCCGC; older notation c.476_480dupGCCGC).
Protein change: p.Met161fs; shifts the reading frame from methionine 161.
Molecular consequence: frameshift variant.
Genome position (GRCh38, 1-based): chr16:11,254,999-11,255,003, GCGGC duplicated on the plus strand (GCCGC on the coding strand, the reverse complement: SOCS1 is on the minus strand); duplicating any 5 consecutive bases within chr16:11,254,999-11,255,010 gives the same sequence; the c. name uses the placement nearest the transcript's 3' end. VCF-style (leftmost placement, unchanged base first): chr16-11254998-T-TGCGGC. GRCh37 (hg19) VCF-style: chr16-11348855-T-TGCGGC.
Other names: c.476_480dupGCCGC (NM_003745.1); c.480_481insGCCGC (NM_003745.2); c.476_480dup (NM_003745.1); short protein forms M161fs.
Identifiers: ClinVar variation 977214 (VCV000977214.45), dbSNP rs1470306246, ClinGen allele CA621176237.

ClinVar aggregate classification (germline): Pathogenic/Likely pathogenic. Review status: criteria provided, multiple submitters, no conflicts (2 of 4 stars). 7 submissions from 7 submitters: Pathogenic (4); Likely pathogenic (1). 2 of the submissions do not count toward it. Last evaluated 2026-10-11.

Conditions:
Autoinflammatory syndrome with immunodeficiency. Also called: AUTOINFLAMMATORY SYNDROME, FAMILIAL, WITH OR WITHOUT IMMUNODEFICIENCY. Identifiers: MedGen C5543547, MONDO:0800130, OMIM 619375.
SOCS1-related disorder. Also called: SOCS1-related condition.
Autoimmune thrombocytopenia. Identifiers: Orphanet 71203, MedGen C0242584, MONDO:0019098, HP:0001973.
Autoimmune hemolytic anemia. Also called: Acquired autoimmune hemolytic anemia; Idiopathic autoimmune hemolytic anemia; Familial auto-immune hemolytic anemia (subtype); Immuno-hemolytic anemia. Identifiers: Orphanet 98375, MedGen C0002880, MONDO:0020108, OMIM 205700, HP:0001890.

Submissions (7):

GeneDx
Classification: Pathogenic. Last evaluated: 2026-10-11. Review status: criteria provided, single submitter. Criteria: GeneDx Variant Classification Process June 2021. Collection method: clinical testing. Allele origin: germline.
Comment: Published functional studies suggest a damaging effect resulting in hypersensitivity to IFN-y and IL-2 cytokines as well as hyperactivation of JAK kinases (PMID: 33087723); Frameshift variant predicted to result in protein truncation, as the last 51 amino acids are replaced with 45 different amino acids, and other loss-of-function variants have been reported downstream; Not observed at significant frequency in large population cohorts (gnomAD); This variant is associated with the following publications: (PMID: 35753512, 33087723, 34421895, 40739506, 42409455, 40755921, 42767568, 41688586, Eser2026[Case Report])

CeGaT Center for Human Genetics Tuebingen
Classification: Pathogenic. Last evaluated: 2026-02-01. Review status: criteria provided, single submitter. Criteria: CeGaT Center For Human Genetics Tuebingen Variant Classification Criteria Version 2. Collection method: clinical testing. Allele origin: germline. Affected: yes. Observed: 5 variant alleles.
Comment: SOCS1: PVS1:Strong, PM2, PP1:Moderate, PS4:Moderate

Clinical Genomics Laboratory, Washington University in St. Louis
Classification: Pathogenic for Autoinflammatory syndrome with immunodeficiency. Last evaluated: 2025-11-10. Review status: criteria provided, single submitter. Criteria: ACMG Guidelines, 2015. Collection method: clinical testing. Allele origin: germline. Affected: yes.
Comment: The SOCS1 c.476_480dup (p.Met161Alafs*46) variant has been reported in three individuals with an autoinflammatory syndrome with immunodeficiency, with at least one case occurring de novo (Cao L et al., PMID: 40755921; Hadjadj J et al., PMID: 33087723; Thaventhiran JED et al., PMID: 32499645). This variant causes a frameshift by deleting five nucleotides, leading to a premature termination codon, however, because this occurs in the last exon, this is not predicted to lead to nonsense mediated decay. This variant is only observed in 1/179,392 alleles in the general population (gnomAD v2.1.1), indicating it is not a common variant. This variant has been reported in the ClinVar database as a germline pathogenic variant by three submitters and as a likely pathogenic variant by one submitter. Based on available information and the ACMG/AMP guidelines for variant interpretation (Richards S et al., PMID: 25741868), this variant is classified as pathogenic.

Blueprint Genetics
Classification: Likely pathogenic for SOCS1-related disorders. Last evaluated: 2024-02-13. Review status: criteria provided, single submitter. Criteria: ACMG Guidelines, 2015. Collection method: clinical testing. Allele origin: germline. Affected: yes. Observed: 1 variant allele.

3billion
Classification: Pathogenic for Autoinflammatory syndrome with immunodeficiency. Last evaluated: 2023-06-26. Review status: criteria provided, single submitter. Criteria: ACMG Guidelines, 2015. Collection method: clinical testing. Allele origin: germline. Affected: yes.
Comment: The variant is observed at an extremely low frequency in the gnomAD v2.1.1 dataset (total allele frequency: <0.001%). Predicted Consequence/Location: Frameshift: predicted to result in a loss or disruption of normal protein function through protein truncation. Functional studies provide moderate evidence of the variant having a damaging effect on the gene or gene product (PMID: 33087723). The variant has been reported to be associated with SOCS1 related disorder (ClinVar ID: VCV000977214 /PMID: 33087723). Therefore, this variant is classified as Pathogenic according to the recommendation of ACMG/AMP guideline.

Department of Immunology, Beijing Children's Hospital of Capital Medical University
Classification: Pathogenic for Autoinflammatory syndrome with immunodeficiency. Last evaluated: 2022-01-08. Review status: no assertion criteria provided. Collection method: clinical testing. Allele origin: germline. Affected: yes. Not counted in ClinVar's aggregate classification.
Comment: The SOCS1 c.480_481insGCCGC (p.M161Afs*46) variant is classified as pathogenic based on it being a frameshift insertion predicted to result in a truncated or absent protein (PVS1), its rarity in population databases (PM2_Supporting), and published literature and ClinVar entries supporting its role in autoimmune disease (PS4). This variant is associated with autosomal dominant Autoimmune inflammatory syndrome, familial, with or without immunodeficiency (OMIM: 619375), which is characterized by a variety of autoimmune features.

Immunogenetics of Pediatric Autoimmune Diseases, Institut Imagine
Classification: Likely pathogenic for Autoimmune thrombocytopenic purpura; Autoimmune hemolytic anemia. Last evaluated: 2020-01-01. Review status: no assertion criteria provided. Collection method: research. Allele origin: paternal. Affected: yes. Observed: 2 variant alleles. Not counted in ClinVar's aggregate classification.

Literature cited by the submitters: PubMed 33087723 (cited by 3billion and Department of Immunology, Beijing Children's Hospital of Capital Medical University).